The following is an entry in ClinVar:

ClinVar aggregate classification (germline): Uncertain significance. Review status: criteria provided, multiple submitters, no conflicts (2 of 4 stars). 2 submissions from 2 submitters: Uncertain significance (2). Last evaluated 2023-02-10.

Allele frequency attached by ClinVar (database versions not stated): gnomAD exomes below 0.00001; ExAC 0.00001; gnomAD 0.00001.

Submissions (2):

Labcorp Genetics (formerly Invitae), Labcorp
Classification: Uncertain significance. Last evaluated: 2023-02-10. Review status: criteria provided, single submitter. Criteria: Invitae Variant Classification Sherloc (09022015). Collection method: clinical testing. Allele origin: germline.
Comment: In summary, the available evidence is currently insufficient to determine the role of this variant in disease. Therefore, it has been classified as a Variant of Uncertain Significance. Algorithms developed to predict the effect of missense changes on protein structure and function (SIFT, PolyPhen-2, Align-GVGD) all suggest that this variant is likely to be tolerated. ClinVar contains an entry for this variant (Variation ID: 1497892). This variant has not been reported in the literature in individuals affected with POMP-related conditions. This variant is present in population databases (rs775956827, gnomAD 0.006%). This sequence change replaces arginine, which is basic and polar, with glutamine, which is neutral and polar, at codon 32 of the POMP protein (p.Arg32Gln).

Revvity Omics, Revvity
Classification: Uncertain significance. Last evaluated: 2022-01-27. Review status: criteria provided, single submitter. Criteria: ACMG Guidelines, 2015. Collection method: clinical testing. Allele origin: germline.

NM_015932.6(POMP):c.95G>A (p.Arg32Gln)

Gene: POMP (proteasome maturation protein; plus strand). Cytogenetic location: 13q12.3.
Variant type: single nucleotide variant.
Coding change: c.95G>A on transcript NM_015932.6 (MANE Select); coding-DNA position 95, G replaced by A.
Protein change: p.Arg32Gln; replaces arginine 32 with glutamine.
Molecular consequence: missense variant.
Genome position (GRCh38, 1-based): chr13:28,662,501, G>A. VCF-style: chr13-28662501-G-A. GRCh37 (hg19) VCF-style: chr13-29236638-G-A.
Other names: short protein forms R32Q.
Identifiers: ClinVar variation 1497892 (VCV001497892.10), dbSNP rs775956827, ClinGen allele CA6931009.